The following is an entry in ClinVar:

ClinVar aggregate classification (germline): Uncertain significance. Review status: criteria provided, multiple submitters, no conflicts (2 of 4 stars). 2 submissions from 2 submitters: Uncertain significance (2). Last evaluated 2024-04-08.

Conditions:
Neurofibromatosis, type 1 (NF1). Also called: Neurofibromatosis, type I; VON RECKLINGHAUSEN DISEASE; NEUROFIBROMATOSIS, TYPE I, SOMATIC; Peripheral type neurofibromatosis. Identifiers: Orphanet 636, MedGen C0027831, MONDO:0018975, OMIM 162200. Disease mechanism: loss of function.

Submissions (2):

Labcorp Genetics (formerly Invitae), Labcorp
Classification: Uncertain significance for Neurofibromatosis, type 1. Last evaluated: 2024-04-08. Review status: criteria provided, single submitter. Criteria: Invitae Variant Classification Sherloc (09022015). Collection method: clinical testing. Allele origin: germline.
Comment: This sequence change replaces valine, which is neutral and non-polar, with alanine, which is neutral and non-polar, at codon 2297 of the NF1 protein (p.Val2297Ala). This variant is not present in population databases (gnomAD no frequency). This missense change has been observed in individual(s) with breast cancer (PMID: 30287823). ClinVar contains an entry for this variant (Variation ID: 996530). Advanced modeling of protein sequence and biophysical properties (such as structural, functional, and spatial information, amino acid conservation, physicochemical variation, residue mobility, and thermodynamic stability) performed at Invitae indicates that this missense variant is expected to disrupt NF1 protein function with a positive predictive value of 80%. In summary, the available evidence is currently insufficient to determine the role of this variant in disease. Therefore, it has been classified as a Variant of Uncertain Significance.

Genome Diagnostics Laboratory, The Hospital for Sick Children
Classification: Uncertain significance for Neurofibromatosis, type 1. Last evaluated: 2020-10-26. Review status: criteria provided, single submitter. Criteria: ACMG Guidelines, 2015. Collection method: clinical testing. Allele origin: germline. Affected: yes.

Literature cited by the submitters: PubMed 30287823 (cited by Labcorp Genetics (formerly Invitae), Labcorp).

NM_001042492.3(NF1):c.6953T>C (p.Val2318Ala)

Gene: NF1 (neurofibromin 1; plus strand). Cytogenetic location: 17q11.2.
Variant type: single nucleotide variant.
Coding change: c.6953T>C on transcript NM_001042492.3 (MANE Select); coding-DNA position 6953, T replaced by C.
Protein change: p.Val2318Ala; replaces valine 2318 with alanine.
Molecular consequence: missense variant.
Genome position (GRCh38, 1-based): chr17:31,340,536, T>C. VCF-style: chr17-31340536-T-C. GRCh37 (hg19) VCF-style: chr17-29667554-T-C.
Other names: c.6890T>C, p.Val2297Ala (NM_000267.4); short protein forms V2297A, V2318A.
Identifiers: ClinVar variation 996530 (VCV000996530.5), dbSNP rs2069790813, ClinGen allele CA399014909.
Genomic context (GRCh38, chr17:31,340,536, plus strand): 5'-ACTAGCCTCAAACATATCTTCTTTGCCAGGACTCGCCTCTGCACAAAGCCCTCTTTTGGG[T>C]AGCTGTGGCTGTGCTGCAGCTTGATGAGGTCAACTTGTATTCAGCAGGTACCGCACTTCT-3'
Protein context (NP_001035957.1, residues 2308-2328): DSPLHKALFW[Val2318Ala]AVAVLQLDEV